The following is an entry in ClinVar:

ClinVar aggregate classification (germline): Benign. Review status: criteria provided, multiple submitters, no conflicts (2 of 4 stars). 3 submissions from 3 submitters: Benign (3). Last evaluated 2021-05-11.

Allele frequency attached by ClinVar (database versions not stated): gnomAD exomes 0.08595 and 0.09406; ExAC 0.15148; 1000 Genomes Project 0.17312; gnomAD 0.17940 and 0.18729; 1000 Genomes Project 30x 0.18192; ESP Exome Variant Server 0.18813; TOPMed 0.19229.
gnomAD v4.1: 147,237 of 1,536,130 alleles (9.6%); highest among the groups gnomAD compares: African/African-American, 44%; 12,300 homozygotes.

Submissions (3):

GeneDx
Classification: Benign. Last evaluated: 2021-05-11. Review status: criteria provided, single submitter. Criteria: GeneDx Variant Classification Process June 2021. Collection method: clinical testing. Allele origin: germline. Affected: yes.

Laboratory for Molecular Medicine, Mass General Brigham Personalized Medicine
Classification: Benign. Last evaluated: 2016-03-28. Review status: criteria provided, single submitter. Criteria: LMM Criteria. Collection method: clinical testing. Allele origin: germline.
Comment: Variant identified in a genome or exome case(s) and assessed due to predicted null impact of the variant or pathogenic assertions in the literature or databases. Disclaimer: This variant has not undergone full assessment. The following are preliminary notes: Frequency

Breakthrough Genomics
Classification: Benign. Review status: criteria provided, single submitter. Criteria: ACMG Guidelines, 2015. Collection method: not provided. Allele origin: germline. Inheritance: Unknown mechanism. Affected: yes.

NM_001370.2(DNAH6):c.4354-15C>T

Gene: DNAH6 (dynein axonemal heavy chain 6; plus strand). Cytogenetic location: 2p11.2.
Variant type: single nucleotide variant.
Coding change: c.4354-15C>T on transcript NM_001370.2 (MANE Select); 15 bases into the intron before coding-DNA position 4354, C replaced by T.
Molecular consequence: intron variant.
Genome position (GRCh38, 1-based): chr2:84,624,887, C>T. VCF-style: chr2-84624887-C-T. GRCh37 (hg19) VCF-style: chr2-84852011-C-T.
Identifiers: ClinVar variation 402736 (VCV000402736.7), dbSNP rs11676670, ClinGen allele CA1737139.